The following is an entry in ClinVar:

NM_020338.4(ZMIZ1):c.2212G>A (p.Val738Met)

Gene: ZMIZ1 (zinc finger MIZ-type containing 1; plus strand). Cytogenetic location: 10q22.3.
Variant type: single nucleotide variant.
Coding change: c.2212G>A on transcript NM_020338.4 (MANE Select); coding-DNA position 2212, G replaced by A.
Protein change: p.Val738Met; replaces valine 738 with methionine.
Molecular consequence: missense variant.
Genome position (GRCh38, 1-based): chr10:79,304,101, G>A. VCF-style: chr10-79304101-G-A. GRCh37 (hg19) VCF-style: chr10-81063858-G-A.
Other names: short protein forms V738M.
Identifiers: ClinVar variation 1311952 (VCV001311952.2), dbSNP rs2132079944, ClinGen allele CA377341475.

ClinVar aggregate classification (germline): Uncertain significance (1 of 4 stars; one submission).

Submission:

GeneDx
Classification: Uncertain significance. Last evaluated: 2020-01-08. Review status: criteria provided, single submitter. Criteria: GeneDx Variant Classification Process June 2021. Collection method: clinical testing. Allele origin: germline. Affected: yes.
Comment: Not observed in large population cohorts (Lek et al., 2016); In silico analysis, which includes protein predictors and evolutionary conservation, supports a deleterious effect; Has not been previously published as pathogenic or benign to our knowledge